The following is an entry in ClinVar:

ClinVar aggregate classification (germline): Likely pathogenic (1 of 4 stars; one submission).

Conditions:
Perlman syndrome (PRLMNS). Identifiers: Orphanet 2849, MedGen C0796113, MONDO:0009965, OMIM 267000.

Submission:

Labcorp Genetics (formerly Invitae), Labcorp
Classification: Likely pathogenic for Perlman syndrome. Last evaluated: 2023-03-02. Review status: criteria provided, single submitter. Criteria: Invitae Variant Classification Sherloc (09022015). Collection method: clinical testing. Allele origin: germline.
Comment: In summary, the currently available evidence indicates that the variant is pathogenic, but additional data are needed to prove that conclusively. Therefore, this variant has been classified as Likely Pathogenic. This variant has not been reported in the literature in individuals affected with DIS3L2-related conditions. Information on the frequency of this variant in the gnomAD database is not available, as this variant may be reported differently in the database. This sequence change affects a splice site in intron 16 of the DIS3L2 gene. It is expected to disrupt RNA splicing. Variants that disrupt the donor or acceptor splice site typically lead to a loss of protein function (PMID: 16199547), and loss-of-function variants in DIS3L2 are known to be pathogenic (PMID: 22306653, 28328139).

Literature cited by the submitters: PubMed 16199547; PubMed 22306653; PubMed 28328139.

NM_152383.5(DIS3L2):c.2010_2010+1delinsAT

Gene: DIS3L2 (DIS3 like 3'-5' exoribonuclease 2; plus strand). Cytogenetic location: 2q37.1.
Variant type: Indel.
Coding change: c.2010_2010+1delinsAT on transcript NM_152383.5 (MANE Select); coding-DNA position 2010 through the canonical splice donor site of the intron after coding-DNA position 2010, GG replaced by AT.
Molecular consequence: splice donor variant. On other transcripts: intron variant (1).
Genome position (GRCh38, 1-based): chr2:232,330,776-232,330,777, GG replaced by AT. VCF-style: chr2-232330776-GG-AT. GRCh37 (hg19) VCF-style: chr2-233195486-GG-AT.
Other names: c.1582-12569_1582-12568delinsAT (NM_001257281.2).
Identifiers: ClinVar variation 2842021 (VCV002842021.3), dbSNP rs2469436837, ClinGen allele CA2739279744.
Genomic context (GRCh38, chr2:232,330,776, plus strand): 5'-TGACAAGTACTCACTGGCCCGCAAGGAGGTGCTCACCAACATGTGCTCCCGGCCCATGCA[GG>AT]TAAGGAGGGCCCAGCCCCGGCCTCCCCTGCTCCCAGGAGCACACTAGCCCCAGACCTGTG-3'